The following is an entry in ClinVar:

ClinVar aggregate classification (germline): Pathogenic (1 of 4 stars; one submission).

Conditions:
Aminoacylase 1 deficiency. Also called: Neurological conditions associated with aminoacylase 1 deficiency. Identifiers: Orphanet 137754, MedGen C1835922, MONDO:0012368, OMIM 609924.

gnomAD v4.1: 1 of 1,614,216 alleles (0.000062%); highest among the groups gnomAD compares: Non-Finnish European, 0.000085%; no homozygotes.

Submission:

Women's Health and Genetics/Laboratory Corporation of America, LabCorp
Classification: Pathogenic for Aminoacylase 1 deficiency. Last evaluated: 2024-10-01. Review status: criteria provided, single submitter. Criteria: LabCorp Variant Classification Summary - May 2015. Collection method: clinical testing. Allele origin: germline.
Comment: Variant summary: ACY1 c.959C>G (p.Ser320X) results in a premature termination codon, predicted to cause a truncation of the encoded protein or absence of the protein due to nonsense mediated decay, which are commonly known mechanisms for disease. The variant was absent in 251476 control chromosomes (gnomAD). To our knowledge, no occurrence of c.959C>G in individuals affected with Aminoacylase 1 Deficiency and no experimental evidence demonstrating its impact on protein function have been reported. No submitters have cited clinical-significance assessments for this variant to ClinVar. Based on the evidence outlined above, the variant was classified as pathogenic.

NM_000666.3(ACY1):c.959C>G (p.Ser320Ter)

Genes: ABHD14A-ACY1 (ABHD14A-ACY1 readthrough; plus strand), ACY1 (aminoacylase 1; plus strand). Cytogenetic location: 3p21.2.
Variant type: single nucleotide variant.
Coding change: c.959C>G on transcript NM_000666.3 (MANE Select); coding-DNA position 959, C replaced by G.
Protein change: p.Ser320Ter; replaces serine 320 with a stop codon.
Molecular consequence: nonsense.
Genome position (GRCh38, 1-based): chr3:51,988,561, C>G. VCF-style: chr3-51988561-C-G. GRCh37 (hg19) VCF-style: chr3-52022577-C-G.
Other names: c.1229C>G, p.Ser410Ter (NM_001316331.2); c.959C>G, p.Ser320Ter (NM_001198895.2); c.743C>G, p.Ser248Ter (NM_001198896.2); c.764C>G, p.Ser255Ter (NM_001198897.2); c.854C>G, p.Ser285Ter (NM_001198898.2); short protein forms S248*, S255*, S285*, S320*, S410*.
Identifiers: ClinVar variation 3385014 (VCV003385014.1).